The following is an entry in ClinVar:

NM_000059.4(BRCA2):c.1674T>G (p.Ile558Met)

Gene: BRCA2 (BRCA2 DNA repair associated; plus strand). Cytogenetic location: 13q13.1.
Variant type: single nucleotide variant.
Coding change: c.1674T>G on transcript NM_000059.4 (MANE Select); coding-DNA position 1674, T replaced by G.
Protein change: p.Ile558Met; replaces isoleucine 558 with methionine.
Molecular consequence: missense variant.
Genome position (GRCh38, 1-based): chr13:32,333,152, T>G. VCF-style: chr13-32333152-T-G. GRCh37 (hg19) VCF-style: chr13-32907289-T-G.
Other names: short protein forms I558M.
Identifiers: ClinVar variation 923135 (VCV000923135.16), dbSNP rs2072419497, ClinGen allele CA387765102.

ClinVar aggregate classification (germline): Conflicting classifications of pathogenicity. Review status: criteria provided, conflicting classifications (1 of 4 stars). 5 submissions from 5 submitters: Uncertain significance (3); Likely benign (2). Last evaluated 2025-06-26.

Conditions:
Hereditary cancer-predisposing syndrome. Also called: Neoplastic Syndromes, Hereditary; Tumor predisposition; Hereditary Cancer Syndrome; Hereditary neoplastic syndrome. Identifiers: Orphanet 140162, MedGen C0027672, MeSH D009386, MONDO:0015356.
Hereditary breast ovarian cancer syndrome. Also called: BRCA1- and BRCA2-Associated Hereditary Breast and Ovarian Cancer; Hereditary breast and ovarian cancer syndrome; Hereditary breast and ovarian cancer; Hereditary breast and ovarian cancer syndrome (HBOC); Breast and ovarian cancer; Hereditary breast and/or ovarian cancer syndrome. Identifiers: Orphanet 145, MedGen C0677776, MeSH D061325, MONDO:0003582. Disease mechanism: loss of function.

Allele frequency attached by ClinVar (database versions not stated): TOPMed below 0.00001.

Submissions (5):

GeneDx
Classification: Uncertain significance. Last evaluated: 2025-06-26. Review status: criteria provided, single submitter. Criteria: GeneDx Variant Classification Process June 2021. Collection method: clinical testing. Allele origin: germline. Affected: yes.
Comment: Not observed at significant frequency in large population cohorts (gnomAD); In silico analysis suggests that this missense variant does not alter protein structure/function; Has not been previously published as pathogenic or benign to our knowledge; Also known as 1902T>G

Ambry Genetics
Classification: Likely benign for Hereditary cancer-predisposing syndrome. Last evaluated: 2025-06-25. Review status: criteria provided, single submitter. Criteria: Ambry Variant Classification Scheme 2023. Collection method: clinical testing. Allele origin: germline.

Color Diagnostics, LLC DBA Color Health
Classification: Uncertain significance for Hereditary cancer-predisposing syndrome. Last evaluated: 2023-12-05. Review status: criteria provided, single submitter. Criteria: ACMG Guidelines, 2015. Collection method: clinical testing. Allele origin: germline.
Comment: This missense variant replaces isoleucine with methionine at codon 558 of the BRCA2 protein. Computational prediction suggests that this variant may not impact protein structure and function (internally defined REVEL score threshold <= 0.5, PMID: 27666373). To our knowledge, functional studies have not been reported for this variant. This variant has not been reported in individuals affected with BRCA2-related disorders in the literature. This variant has not been identified in the general population by the Genome Aggregation Database (gnomAD). The available evidence is insufficient to determine the role of this variant in disease conclusively. Therefore, this variant is classified as a Variant of Uncertain Significance.

University of Washington Department of Laboratory Medicine, University of Washington
Classification: Likely benign for Hereditary cancer-predisposing syndrome. Last evaluated: 2023-03-23. Review status: criteria provided, single submitter. Criteria: Dines et al. (Genet Med. 2020). Collection method: curation. Allele origin: germline.
Comment: Missense variant in a coldspot region where missense variants are very unlikely to be pathogenic (PMID:31911673).

BRCA2 exon 10 coldspot. Reclassification based on statistical prior probability.

Labcorp Genetics (formerly Invitae), Labcorp
Classification: Uncertain significance for Hereditary breast ovarian cancer syndrome. Last evaluated: 2021-11-24. Review status: criteria provided, single submitter. Criteria: Invitae Variant Classification Sherloc (09022015). Collection method: clinical testing. Allele origin: germline.
Comment: This variant has not been reported in the literature in individuals affected with BRCA2-related conditions. This sequence change replaces isoleucine, which is neutral and non-polar, with methionine, which is neutral and non-polar, at codon 558 of the BRCA2 protein (p.Ile558Met). This variant is not present in population databases (gnomAD no frequency). ClinVar contains an entry for this variant (Variation ID: 923135). Advanced modeling of protein sequence and biophysical properties (such as structural, functional, and spatial information, amino acid conservation, physicochemical variation, residue mobility, and thermodynamic stability) performed at Invitae indicates that this missense variant is not expected to disrupt BRCA2 protein function. In summary, the available evidence is currently insufficient to determine the role of this variant in disease. Therefore, it has been classified as a Variant of Uncertain Significance.